The following is an entry in ClinVar:

ClinVar aggregate classification (germline): Likely benign (1 of 4 stars; one submission).

Submission:

GeneDx
Classification: Likely benign. Last evaluated: 2021-06-04. Review status: criteria provided, single submitter. Criteria: GeneDx Variant Classification Process June 2021. Collection method: clinical testing. Allele origin: germline. Affected: yes.
Comment: See Variant Classification Assertion Criteria.

NM_002739.5(PRKCG):c.1765-197_1765-196insC

Gene: PRKCG (protein kinase C gamma; plus strand). Cytogenetic location: 19q13.42.
Variant type: Insertion.
Coding change: c.1765-197_1765-196insC on transcript NM_002739.5 (MANE Select); 197 bases into the intron before coding-DNA position 1765 through 196 bases into the intron before coding-DNA position 1765, C inserted.
Molecular consequence: intron variant.
Genome position: GRCh38 VCF-style: chr19-53906120-T-TC. GRCh37 (hg19) VCF-style: chr19-54409374-T-TC.
Other names: c.1765-197_1765-196insC (NM_001316329.2).
Identifiers: ClinVar variation 2136036 (VCV002136036.1), dbSNP rs1164462888, ClinGen allele CA633842727.